The following is an entry in ClinVar:

NM_002734.5(PRKAR1A):c.605A>G (p.Glu202Gly)

Gene: PRKAR1A (protein kinase cAMP-dependent type I regulatory subunit alpha; plus strand). Cytogenetic location: 17q24.2.
Variant type: single nucleotide variant.
Coding change: c.605A>G on transcript NM_002734.5 (MANE Select); coding-DNA position 605, A replaced by G.
Protein change: p.Glu202Gly; replaces glutamic acid 202 with glycine.
Molecular consequence: missense variant.
Genome position (GRCh38, 1-based): chr17:68,525,809, A>G. VCF-style: chr17-68525809-A-G. GRCh37 (hg19) VCF-style: chr17-66521950-A-G.
Other names: c.605A>G, p.Glu202Gly (NM_001276289.2, NM_001276290.1, NM_001278433.2 and 4 more transcripts); short protein forms E202G.
Identifiers: ClinVar variation 3572754 (VCV003572754.1).

ClinVar aggregate classification (germline): Uncertain significance (1 of 4 stars; one submission).

Submission:

GeneDx
Classification: Uncertain significance. Last evaluated: 2024-07-11. Review status: criteria provided, single submitter. Criteria: GeneDx Variant Classification Process June 2021. Collection method: clinical testing. Allele origin: germline. Affected: yes.
Comment: Not observed at significant frequency in large population cohorts (gnomAD); In silico analysis supports that this missense variant has a deleterious effect on protein structure/function; Has not been previously published as pathogenic or benign to our knowledge; This variant is associated with the following publications: (PMID: 24363928)